The following is an entry in ClinVar:

ClinVar aggregate classification (germline): Uncertain significance (1 of 4 stars; one submission).

Conditions:
Hereditary cancer-predisposing syndrome. Also called: Neoplastic Syndromes, Hereditary; Tumor predisposition; Hereditary neoplastic syndrome; Hereditary Cancer Syndrome. Identifiers: Orphanet 140162, MedGen C0027672, MeSH D009386, MONDO:0015356.

Submission:

Ambry Genetics
Classification: Uncertain significance for Hereditary cancer-predisposing syndrome. Last evaluated: 2023-12-14. Review status: criteria provided, single submitter. Criteria: Ambry Variant Classification Scheme 2023. Collection method: clinical testing. Allele origin: germline.
Comment: The p.K995N variant (also known as c.2985G>T), located in coding exon 25 of the POLE gene, results from a G to T substitution at nucleotide position 2985. The lysine at codon 995 is replaced by asparagine, an amino acid with similar properties. This amino acid position is conserved. In addition, this alteration is predicted to be tolerated by in silico analysis. Since supporting evidence is limited at this time, the clinical significance of this alteration remains unclear.

NM_006231.4(POLE):c.2985G>T (p.Lys995Asn)

Gene: POLE (DNA polymerase epsilon, catalytic subunit; minus strand). Cytogenetic location: 12q24.33.
Variant type: single nucleotide variant.
Coding change: c.2985G>T on transcript NM_006231.4 (MANE Select); coding-DNA position 2985, G replaced by T.
Protein change: p.Lys995Asn; replaces lysine 995 with asparagine.
Molecular consequence: missense variant.
Genome position (GRCh38, 1-based): chr12:132,661,044, C>A on the plus strand (G>T on the coding strand, the complement: POLE is on the minus strand). VCF-style: chr12-132661044-C-A. GRCh37 (hg19) VCF-style: chr12-133237630-C-A.
Other names: short protein forms K995N.
Identifiers: ClinVar variation 3225430 (VCV003225430.1), dbSNP rs1644915427, ClinGen allele CA387392384.
Genomic context (GRCh38, chr12:132,661,044, plus strand): 5'-GTCCAGCCAGTAGTCAGCCACCTTGGCTACAGAGCCATACACCTCTTCCAGCGTGCTGCC[C>A]TTGAGGAAGGCCTCAAACACCGAGGATTGGAAGATCTTAATCAGCTGCAGTTCCCCGCGG-3'
Protein context (NP_006222.2, residues 985-1005): FQSSVFEAFL[Lys995Asn]GSTLEEVYGS